The following is an entry in ClinVar:

ClinVar aggregate classification (germline): Uncertain significance (1 of 4 stars; one submission).

Allele frequency attached by ClinVar (database versions not stated): gnomAD 0.00001; gnomAD exomes 0.00001; TOPMed 0.00001.

Submission:

Labcorp Genetics (formerly Invitae), Labcorp
Classification: Uncertain significance. Last evaluated: 2022-04-19. Review status: criteria provided, single submitter. Criteria: Invitae Variant Classification Sherloc (09022015). Collection method: clinical testing. Allele origin: germline.
Comment: This sequence change replaces arginine, which is basic and polar, with glutamine, which is neutral and polar, at codon 1948 of the SZT2 protein (p.Arg1948Gln). This variant is present in population databases (no rsID available, gnomAD 0.002%). This variant has not been reported in the literature in individuals affected with SZT2-related conditions. ClinVar contains an entry for this variant (Variation ID: 953610). Algorithms developed to predict the effect of missense changes on protein structure and function are either unavailable or do not agree on the potential impact of this missense change (SIFT: "Tolerated"; PolyPhen-2: "Possibly Damaging"; Align-GVGD: "Class C0"). Algorithms developed to predict the effect of sequence changes on RNA splicing suggest that this variant may create or strengthen a splice site. In summary, the available evidence is currently insufficient to determine the role of this variant in disease. Therefore, it has been classified as a Variant of Uncertain Significance.

NM_001365999.1(SZT2):c.6014G>A (p.Arg2005Gln)

Gene: SZT2 (SZT2 subunit of KICSTOR complex; plus strand). Cytogenetic location: 1p34.2.
Variant type: single nucleotide variant.
Coding change: c.6014G>A on transcript NM_001365999.1 (MANE Select); coding-DNA position 6014, G replaced by A.
Protein change: p.Arg2005Gln; replaces arginine 2005 with glutamine.
Molecular consequence: missense variant.
Genome position (GRCh38, 1-based): chr1:43,435,309, G>A. VCF-style: chr1-43435309-G-A. GRCh37 (hg19) VCF-style: chr1-43900980-G-A.
Other names: c.5843G>A, p.Arg1948Gln (NM_015284.4); short protein forms R1948Q, R2005Q.
Identifiers: ClinVar variation 953610 (VCV000953610.8), dbSNP rs766222327, ClinGen allele CA340027603.